The following is an entry in ClinVar:

ClinVar aggregate classification (germline): Uncertain significance (1 of 4 stars; one submission).

Submission:

Greenwood Genetic Center Diagnostic Laboratories, Greenwood Genetic Center
Classification: Uncertain significance. Last evaluated: 2021-12-17. Review status: criteria provided, single submitter. Criteria: ACMG Guidelines, 2015. Collection method: clinical testing. Allele origin: germline. Affected: yes.
Comment: PM2

NM_020719.3(PRR12):c.5690T>C (p.Leu1897Pro)

Gene: PRR12 (proline rich 12; plus strand). Cytogenetic location: 19q13.33.
Variant type: single nucleotide variant.
Coding change: c.5690T>C on transcript NM_020719.3 (MANE Select); coding-DNA position 5690, T replaced by C.
Protein change: p.Leu1897Pro; replaces leucine 1897 with proline.
Molecular consequence: missense variant.
Genome position (GRCh38, 1-based): chr19:49,621,591, T>C. VCF-style: chr19-49621591-T-C. GRCh37 (hg19) VCF-style: chr19-50124848-T-C.
Other names: short protein forms L1897P.
Identifiers: ClinVar variation 1334700 (VCV001334700.4), dbSNP rs2122376985, ClinGen allele CA406841212.